The following is an entry in ClinVar:

ClinVar aggregate classification (germline): Uncertain significance. Review status: criteria provided, multiple submitters, no conflicts (2 of 4 stars). 2 submissions from 2 submitters: Uncertain significance (2). Last evaluated 2024-12-08.

Conditions:
Hereditary cancer-predisposing syndrome. Also called: Neoplastic Syndromes, Hereditary; Tumor predisposition; Hereditary Cancer Syndrome; Hereditary neoplastic syndrome. Identifiers: Orphanet 140162, MedGen C0027672, MeSH D009386, MONDO:0015356.

Submissions (2):

Ambry Genetics
Classification: Uncertain significance for Hereditary cancer-predisposing syndrome. Last evaluated: 2024-12-08. Review status: criteria provided, single submitter. Criteria: Ambry Variant Classification Scheme 2023. Collection method: clinical testing. Allele origin: germline.
Comment: The p.S605R variant (also known as c.1815C>A), located in coding exon 17 of the POLE gene, results from a C to A substitution at nucleotide position 1815. The serine at codon 605 is replaced by arginine, an amino acid with dissimilar properties. This amino acid position is conserved. In addition, this alteration is predicted to be tolerated by in silico analysis. Based on the available evidence, the clinical significance of this variant remains unclear.

Labcorp Genetics (formerly Invitae), Labcorp
Classification: Uncertain significance. Last evaluated: 2024-09-22. Review status: criteria provided, single submitter. Criteria: Invitae Variant Classification Sherloc (09022015). Collection method: clinical testing. Allele origin: germline.
Comment: This sequence change replaces serine, which is neutral and polar, with arginine, which is basic and polar, at codon 605 of the POLE protein (p.Ser605Arg). This variant is not present in population databases (gnomAD no frequency). This variant has not been reported in the literature in individuals affected with POLE-related conditions. Invitae Evidence Modeling of protein sequence and biophysical properties (such as structural, functional, and spatial information, amino acid conservation, physicochemical variation, residue mobility, and thermodynamic stability) indicates that this missense variant is not expected to disrupt POLE protein function with a negative predictive value of 80%. In summary, the available evidence is currently insufficient to determine the role of this variant in disease. Therefore, it has been classified as a Variant of Uncertain Significance.

NM_006231.4(POLE):c.1815C>A (p.Ser605Arg)

Gene: POLE (DNA polymerase epsilon, catalytic subunit; minus strand). Cytogenetic location: 12q24.33.
Variant type: single nucleotide variant.
Coding change: c.1815C>A on transcript NM_006231.4 (MANE Select); coding-DNA position 1815, C replaced by A.
Protein change: p.Ser605Arg; replaces serine 605 with arginine.
Molecular consequence: missense variant.
Genome position (GRCh38, 1-based): chr12:132,668,919, G>T on the plus strand (C>A on the coding strand, the complement: POLE is on the minus strand). VCF-style: chr12-132668919-G-T. GRCh37 (hg19) VCF-style: chr12-133245505-G-T.
Other names: short protein forms S605R.
Identifiers: ClinVar variation 3422241 (VCV003422241.3).